The following is an entry in ClinVar:

ClinVar aggregate classification (germline): Uncertain significance. Review status: criteria provided, multiple submitters, no conflicts (2 of 4 stars). 3 submissions from 3 submitters: Uncertain significance (3). Last evaluated 2025-12-01.

Conditions:
Dilated cardiomyopathy 1W (CMD1W). Identifiers: Orphanet 154, MedGen C1969639, MONDO:0012667, OMIM 611407.
Cardiomyopathy (CMYO). Also called: Cardiomyopathies. Identifiers: Orphanet 167848, MedGen C0878544, MONDO:0004994, HP:0001638. Inheritance: Various modes of inheritance.
Cardiovascular phenotype. Identifiers: MedGen CN230736.

Allele frequency attached by ClinVar (database versions not stated): gnomAD 0.00001; ExAC 0.00002; gnomAD exomes 0.00003; ESP Exome Variant Server 0.00008.
gnomAD v4.1: 31 of 1,614,040 alleles (0.0019%); highest among the groups gnomAD compares: South Asian, 0.022%; no homozygotes.

Submissions (3):

Labcorp Genetics (formerly Invitae), Labcorp
Classification: Uncertain significance for Dilated cardiomyopathy 1W. Last evaluated: 2025-12-01. Review status: criteria provided, single submitter. Criteria: Invitae Variant Classification Sherloc (09022015). Collection method: clinical testing. Allele origin: germline.
Comment: This sequence change replaces glutamic acid, which is acidic and polar, with aspartic acid, which is acidic and polar, at codon 1089 of the VCL protein (p.Glu1089Asp). This variant is present in population databases (rs149300310, gnomAD 0.01%). This missense change has been observed in individual(s) with clinical features of VCL-related conditions (internal data). ClinVar contains an entry for this variant (Variation ID: 536707). An algorithm developed to predict the effect of missense changes on protein structure and function (PolyPhen-2) suggests that this variant is likely to be tolerated. In summary, the available evidence is currently insufficient to determine the role of this variant in disease. Therefore, it has been classified as a Variant of Uncertain Significance.

Ambry Genetics
Classification: Uncertain significance for Cardiovascular phenotype. Last evaluated: 2025-11-24. Review status: criteria provided, single submitter. Criteria: Ambry Variant Classification Scheme 2023. Collection method: clinical testing. Allele origin: germline.
Comment: The p.E1089D variant (also known as c.3267G>C), located in coding exon 22 of the VCL gene, results from a G to C substitution at nucleotide position 3267. The glutamic acid at codon 1089 is replaced by aspartic acid, an amino acid with highly similar properties. This amino acid position is highly conserved in available vertebrate species. In addition, this alteration is predicted to be tolerated by in silico analysis. Since supporting evidence is limited at this time, the clinical significance of this alteration remains unclear.

CHEO Genetics Diagnostic Laboratory, Children's Hospital of Eastern Ontario
Classification: Uncertain significance for Cardiomyopathy. Last evaluated: 2023-06-09. Review status: criteria provided, single submitter. Criteria: ACMG Guidelines, 2015. Collection method: clinical testing. Allele origin: germline. Study: Canadian Open Genetics Repository.

NM_014000.3(VCL):c.3267G>C (p.Glu1089Asp)

Gene: VCL (vinculin; plus strand). Cytogenetic location: 10q22.2.
Variant type: single nucleotide variant.
Coding change: c.3267G>C on transcript NM_014000.3 (MANE Select); coding-DNA position 3267, G replaced by C.
Protein change: p.Glu1089Asp; replaces glutamic acid 1089 with aspartic acid.
Molecular consequence: missense variant.
Genome position (GRCh38, 1-based): chr10:74,118,031, G>C. VCF-style: chr10-74118031-G-C. GRCh37 (hg19) VCF-style: chr10-75877789-G-C.
Other names: c.3063G>C, p.Glu1021Asp (NM_003373.4); short protein forms E1089D, E1021D.
Identifiers: ClinVar variation 536707 (VCV000536707.13), dbSNP rs149300310, ClinGen allele CA5563466.